The following is an entry in ClinVar:

ClinVar aggregate classification (germline): Uncertain significance (1 of 4 stars; one submission).

Conditions:
Inborn genetic diseases. Identifiers: MedGen C0950123, MeSH D030342.

Submission:

Ambry Genetics
Classification: Uncertain significance for Inborn genetic diseases. Last evaluated: 2026-04-11. Review status: criteria provided, single submitter. Criteria: Ambry Variant Classification Scheme 2023. Collection method: clinical testing. Allele origin: germline.
Comment: The c.833A>C (p.E278A) alteration is located in exon 3 (coding exon 3) of the TRIM8 gene. This alteration results from a A to C substitution at nucleotide position 833, causing the glutamic acid (E) at amino acid position 278 to be replaced by an alanine (A). Based on data from gnomAD, the C allele has an overall frequency of <0.001% (1/233938) total alleles studied. The highest observed frequency was 0.001% (1/108556) of European (non-Finnish) alleles. Based on insufficient or conflicting evidence, the clinical significance of this alteration remains unclear.

NM_030912.3(TRIM8):c.833A>C (p.Glu278Ala)

Gene: TRIM8 (tripartite motif containing 8; plus strand). Cytogenetic location: 10q24.32.
Variant type: single nucleotide variant.
Coding change: c.833A>C on transcript NM_030912.3 (MANE Select); coding-DNA position 833, A replaced by C.
Protein change: p.Glu278Ala; replaces glutamic acid 278 with alanine.
Molecular consequence: missense variant. On other transcripts: non-coding transcript variant (1).
Genome position (GRCh38, 1-based): chr10:102,655,246, A>C. VCF-style: chr10-102655246-A-C. GRCh37 (hg19) VCF-style: chr10-104415003-A-C.
Other names: c.737A>C, p.Glu246Ala (NM_001345950.1); short protein forms E246A, E278A.
Identifiers: ClinVar variation 4865919 (VCV004865919.1).
Genomic context (GRCh38, chr10:102,655,246, plus strand): 5'-AGGCCAAGTTCTGCAGCGAGAACGCAGCGCAGGCGCTGCACCTCGGGGAGCGCATGCAGG[A>C]GGCCAAGAAGCTGCTGGGCTCCCTGCAGCTGCTCTTTGATAAGACGGAGGATGTCAGCTT-3'
Protein context (NP_112174.2, residues 268-288): QALHLGERMQ[Glu278Ala]AKKLLGSLQL